The following is an entry in ClinVar:

NM_000256.3(MYBPC3):c.2320G>C (p.Ala774Pro)

Gene: MYBPC3 (myosin binding protein C3; minus strand). Cytogenetic location: 11p11.2.
Variant type: single nucleotide variant.
Coding change: c.2320G>C on transcript NM_000256.3 (MANE Select); coding-DNA position 2320, G replaced by C.
Protein change: p.Ala774Pro; replaces alanine 774 with proline.
Molecular consequence: missense variant.
Genome position (GRCh38, 1-based): chr11:47,337,783, C>G on the plus strand (G>C on the coding strand, the complement: MYBPC3 is on the minus strand). VCF-style: chr11-47337783-C-G. GRCh37 (hg19) VCF-style: chr11-47359334-C-G.
Other names: short protein forms A774P.
Identifiers: ClinVar variation 2773720 (VCV002773720.2), dbSNP rs368104687, ClinGen allele CA380319139.
Genomic context (GRCh38, chr11:47,337,783, plus strand): 5'-GCTCCCACTGTACTGTGCAGGAGTCCTCTCCCACGTTGCTGATCTTGGGGGCCGCAGGTG[C>G]GTCTGGCACGTCTGGATGGGGTGGGATGGACCCACATCAGCCCTGCCCCGCTCAGGGCCT-3'
Protein context (NP_000247.2, residues 764-784): LTVKVIDVPD[Ala774Pro]PAAPKISNVG

ClinVar aggregate classification (germline): Uncertain significance (1 of 4 stars; one submission).

Conditions:
Cardiomyopathy (CMYO). Also called: Cardiomyopathies. Identifiers: Orphanet 167848, MedGen C0878544, MONDO:0004994, HP:0001638. Inheritance: Various modes of inheritance.

gnomAD v4.1: 1 of 1,551,122 alleles (0.000064%); highest among the groups gnomAD compares: Admixed American, 0.002%; no homozygotes.

Submission:

Color Diagnostics, LLC DBA Color Health
Classification: Uncertain significance for Cardiomyopathy. Last evaluated: 2024-01-01. Review status: criteria provided, single submitter. Criteria: ACMG Guidelines, 2015. Collection method: clinical testing. Allele origin: germline.
Comment: This missense variant replaces alanine with proline at codon 774 of the MYBPC3 protein. Computational prediction tools indicate that this variant has a neutral impact on protein structure and function. To our knowledge, functional studies have not been reported for this variant. This variant has not been reported in individuals affected with MYBPC3-related disorders in the literature. This variant has been identified in 1/152072 chromosomes in the general population by the Genome Aggregation Database (gnomAD). The available evidence is insufficient to determine the role of this variant in disease conclusively. Therefore, this variant is classified as a Variant of Uncertain Significance.